The following is an entry in ClinVar:

NM_001382508.1(DROSHA):c.3948-10_3948-6del

Gene: DROSHA (drosha ribonuclease III; minus strand). Cytogenetic location: 5p13.3.
Variant type: Microsatellite.
Coding change: c.3948-10_3948-6del on transcript NM_001382508.1 (MANE Select); 10 bases into the intron before coding-DNA position 3948 through 6 bases into the intron before coding-DNA position 3948, 5 bases deleted (TATTT; older notation c.3948-10_3948-6delTATTT).
Molecular consequence: intron variant.
Genome position (GRCh38, 1-based): chr5:31,405,729-31,405,733, AAATA deleted on the plus strand (TATTT on the coding strand, the reverse complement: DROSHA is on the minus strand); deleting any 5 consecutive bases within chr5:31,405,729-31,405,740 gives the same sequence; the c. name uses the placement nearest the transcript's 3' end. VCF-style (leftmost placement, unchanged base first): chr5-31405728-TAAATA-T. GRCh37 (hg19) VCF-style: chr5-31405835-TAAATA-T.
Other names: c.3948-10_3948-6del (NM_013235.5); c.3837-10_3837-6del (NM_001100412.2); c.3948-10_3948-6del5 (NM_013235.4).
Identifiers: ClinVar variation 729434 (VCV000729434.5), dbSNP rs762124264, ClinGen allele CA3217069.
Genomic context (GRCh38, chr5:31,405,728, plus strand): 5'-CAGGCTTACATTTTTCAAGCGCATCCATTGCTGCTCCCATTTCCGCTTGCTGAATACTAT[TAAATA>T]AAATAAAGTAAGACATACTTTAATTTCAAGATTCTTTTTTTTTTTTTTTTTTTTTTTTCA-3'

ClinVar aggregate classification (germline): Likely benign. Review status: criteria provided, single submitter (1 of 4 stars). 2 submissions from 2 submitters: Likely benign (1). 1 of the submissions does not count toward it. Last evaluated 2017-11-15.

Conditions:
DROSHA-related disorder. Also called: DROSHA-related condition.

Submissions (2):

Labcorp Genetics (formerly Invitae), Labcorp
Classification: Likely benign. Last evaluated: 2017-11-15. Review status: criteria provided, single submitter. Criteria: Invitae Variant Classification Sherloc (09022015). Collection method: clinical testing. Allele origin: germline.

PreventionGenetics, part of Exact Sciences
Classification: Likely benign for DROSHA-related condition. Last evaluated: 2022-12-27. Review status: no assertion criteria provided. Collection method: clinical testing. Allele origin: germline. Not counted in ClinVar's aggregate classification.
Comment: This variant is classified as likely benign based on ACMG/AMP sequence variant interpretation guidelines (Richards et al. 2015 PMID: 25741868, with internal and published modifications).